The following is an entry in ClinVar:

ClinVar aggregate classification (germline): Uncertain significance (0 of 4 stars; one submission).

Conditions:
SLC9A9-related disorder. Also called: SLC9A9-related condition.

Submission:

PreventionGenetics, part of Exact Sciences
Classification: Uncertain significance for SLC9A9-related condition. Last evaluated: 2024-03-28. Review status: no assertion criteria provided. Collection method: clinical testing. Allele origin: germline.
Comment: The SLC9A9 c.894+4T>C variant is predicted to interfere with splicing. To our knowledge, this variant has not been reported in the literature or in a large population database, indicating this variant is rare. At this time, the clinical significance of this variant is uncertain due to the absence of conclusive functional and genetic evidence.

NM_173653.4(SLC9A9):c.894+4T>C

Gene: SLC9A9 (solute carrier family 9 member A9; minus strand). Cytogenetic location: 3q24.
Variant type: single nucleotide variant.
Coding change: c.894+4T>C on transcript NM_173653.4 (MANE Select); 4 bases into the intron after coding-DNA position 894, T replaced by C.
Molecular consequence: intron variant.
Genome position (GRCh38, 1-based): chr3:143,578,581, A>G on the plus strand (T>C on the coding strand, the complement: SLC9A9 is on the minus strand). VCF-style: chr3-143578581-A-G. GRCh37 (hg19) VCF-style: chr3-143297423-A-G.
Identifiers: ClinVar variation 3349757 (VCV003349757.1).